The following is an entry in ClinVar:

NM_000051.4(ATM):c.7739G>A (p.Arg2580Lys)

Genes: ATM (ATM serine/threonine kinase; plus strand), C11orf65 (chromosome 11 open reading frame 65; minus strand). Cytogenetic location: 11q22.3.
Variant type: single nucleotide variant.
Coding change: c.7739G>A on transcript NM_000051.4 (MANE Select); coding-DNA position 7739, G replaced by A.
Protein change: p.Arg2580Lys; replaces arginine 2580 with lysine.
Molecular consequence: missense variant. On other transcripts: intron variant (2).
Genome position (GRCh38, 1-based): chr11:108,331,988, G>A. VCF-style: chr11-108331988-G-A. GRCh37 (hg19) VCF-style: chr11-108202715-G-A.
Other names: c.7739G>A, p.Arg2580Lys (NM_001351834.2); c.641-22917C>T (NM_001330368.2); c.*38+3232C>T (NM_001351110.2); c.7739G>A (NM_000051.2); short protein forms R2580K.
Identifiers: ClinVar variation 478937 (VCV000478937.32), dbSNP rs761790685, ClinGen allele CA6266172.

ClinVar aggregate classification (germline): Conflicting classifications of pathogenicity. Review status: criteria provided, conflicting classifications (1 of 4 stars). 6 submissions from 6 submitters: Pathogenic (1); Uncertain significance (4). 1 of the submissions does not count toward it. Last evaluated 2025-11-24.

Conditions:
Familial colorectal cancer type X. Identifiers: Orphanet 440437, MedGen C3896578, MONDO:0018604.
Hereditary cancer-predisposing syndrome. Also called: Neoplastic Syndromes, Hereditary; Hereditary Cancer Syndrome; Tumor predisposition; Hereditary neoplastic syndrome. Identifiers: Orphanet 140162, MedGen C0027672, MeSH D009386, MONDO:0015356.
Ataxia-telangiectasia syndrome (AT). Also called: LOUIS-BAR SYNDROME; Cerebello-oculocutaneous telangiectasia; Immunodeficiency with ataxia telangiectasia; Ataxia-telangiectasia, complementation group D; AT, COMPLEMENTATION GROUP C; Ataxia-telangiectasia, complementation group E. Identifiers: Orphanet 100, MedGen C0004135, MONDO:0008840, OMIM 208900.

Allele frequency attached by ClinVar (database versions not stated): gnomAD exomes 0.00001 and 0.00002; TOPMed 0.00002; ExAC 0.00003.
gnomAD v4.1: 4 of 1,614,038 alleles (0.00025%); highest among the groups gnomAD compares: East Asian, 0.0089%; no homozygotes.

Submissions (6):

Labcorp Genetics (formerly Invitae), Labcorp
Classification: Pathogenic for Ataxia-telangiectasia syndrome. Last evaluated: 2025-11-24. Review status: criteria provided, single submitter. Criteria: Invitae Variant Classification Sherloc (09022015). Collection method: clinical testing. Allele origin: germline.
Comment: This sequence change replaces arginine, which is basic and polar, with lysine, which is basic and polar, at codon 2580 of the ATM protein (p.Arg2580Lys). RNA analysis indicates that this missense change induces altered splicing and likely results in a shortened protein product. This variant is present in population databases (rs761790685, gnomAD 0.03%). This variant has not been reported in the literature in individuals affected with ATM-related conditions. ClinVar contains an entry for this variant (Variation ID: 478937). Invitae Evidence Modeling of protein sequence and biophysical properties (such as structural, functional, and spatial information, amino acid conservation, physicochemical variation, residue mobility, and thermodynamic stability) indicates that this missense variant is not expected to disrupt ATM protein function with a negative predictive value of 95%. Studies have shown that this missense change results in skipping of exon 52, but is expected to preserve the integrity of the reading-frame (internal data). This variant disrupts a region of the ATM protein in which other variant(s) (p.Arg2547_Ser2549del) have been determined to be pathogenic (PMID: 7792600, 8797579, 11382771, 12552559, 21787400, 22649200). This suggests that this is a clinically significant region of the protein, and that variants that disrupt it are likely to be disease-causing. For these reasons, this variant has been classified as Pathogenic.

Color Diagnostics, LLC DBA Color Health
Classification: Uncertain significance for Hereditary cancer-predisposing syndrome. Last evaluated: 2025-08-11. Review status: criteria provided, single submitter. Criteria: ACMG Guidelines, 2015. Collection method: clinical testing. Allele origin: germline.
Comment: This missense variant replaces arginine with lysine at codon 2580 of the ATM protein. Computational prediction suggests that this variant may not impact protein structure and function. To our knowledge, functional studies have not been reported for this variant. This variant has not been reported in individuals affected with hereditary cancer in the literature. This variant has been identified in 5/251114 chromosomes in the general population by the Genome Aggregation Database (gnomAD). The available evidence is insufficient to determine the role of this variant in disease conclusively. Therefore, this variant is classified as a Variant of Uncertain Significance.

Ambry Genetics
Classification: Uncertain significance for Hereditary cancer-predisposing syndrome. Last evaluated: 2025-02-18. Review status: criteria provided, single submitter. Criteria: Ambry Variant Classification Scheme 2023. Collection method: clinical testing. Allele origin: germline.
Comment: The p.R2580K variant (also known as c.7739G>A), located in coding exon 51 of the ATM gene, results from a G to A substitution at nucleotide position 7739. The arginine at codon 2580 is replaced by lysine, an amino acid with highly similar properties. This variant was reported in 0/60,466 breast cancer cases and in 1/53,461 controls (Dorling et al. N Engl J Med. 2021 02;384:428-439). This amino acid position is well conserved in available vertebrate species. In addition, this alteration is predicted to be tolerated by in silico analysis. Since supporting evidence is limited at this time, the clinical significance of this alteration remains unclear.

Quest Diagnostics Nichols Institute San Juan Capistrano
Classification: Uncertain significance. Last evaluated: 2024-09-18. Review status: criteria provided, single submitter. Criteria: Quest Diagnostics criteria. Collection method: clinical testing. Allele origin: unknown.
Comment: The ATM c.7739G>A (p.Arg2580Lys) variant has been reported in the published literature in a large scale breast cancer association study in a reportedly healthy individual (PMID: 33471991 (2021), see also LOVD). The frequency of this variant in the general population, 0.00027 (5/18370 chromosomes (Genome Aggregation Database)), is uninformative in the assessment of its pathogenicity. Analysis of this variant using bioinformatics tools for the prediction of the effect of amino acid changes on protein structure and function yielded predictions that this variant is benign. Based on the available information, we are unable to determine the clinical significance of this variant.

Department of Pathology and Laboratory Medicine, Sinai Health System
Classification: Uncertain significance for Familial colorectal cancer type X. Last evaluated: 2022-07-06. Review status: criteria provided, single submitter. Criteria: ACMG Guidelines, 2015. Collection method: clinical testing. Allele origin: germline. Affected: yes.

Natera, Inc.
Classification: Uncertain significance for Ataxia-telangiectasia. Last evaluated: 2020-03-07. Review status: no assertion criteria provided. Collection method: clinical testing. Allele origin: germline. Not counted in ClinVar's aggregate classification.

Literature cited by the submitters: PubMed 7792600 (cited by Labcorp Genetics (formerly Invitae), Labcorp); PubMed 8797579 (cited by Labcorp Genetics (formerly Invitae), Labcorp); PubMed 11382771 (cited by Labcorp Genetics (formerly Invitae), Labcorp); PubMed 12552559 (cited by Labcorp Genetics (formerly Invitae), Labcorp); PubMed 21787400 (cited by Labcorp Genetics (formerly Invitae), Labcorp); PubMed 22649200 (cited by Labcorp Genetics (formerly Invitae), Labcorp); PubMed 33471991 (cited by Quest Diagnostics Nichols Institute San Juan Capistrano).